The following is an entry in ClinVar:

NM_152383.5(DIS3L2):c.1810C>T (p.Gln604Ter)

Gene: DIS3L2 (DIS3 like 3'-5' exoribonuclease 2; plus strand). Cytogenetic location: 2q37.1.
Variant type: single nucleotide variant.
Coding change: c.1810C>T on transcript NM_152383.5 (MANE Select); coding-DNA position 1810, C replaced by T.
Protein change: p.Gln604Ter; replaces glutamine 604 with a stop codon.
Molecular consequence: nonsense. On other transcripts: non-coding transcript variant (1), intron variant (1).
Genome position (GRCh38, 1-based): chr2:232,329,883, C>T. VCF-style: chr2-232329883-C-T. GRCh37 (hg19) VCF-style: chr2-233194593-C-T.
Other names: c.1582-13462C>T (NM_001257281.2); short protein forms Q604*.
Identifiers: ClinVar variation 970918 (VCV000970918.12), dbSNP rs1695684357, ClinGen allele CA350976068.
Genomic context (GRCh38, chr2:232,329,883, plus strand): 5'-GAGTTCATGCTCTTGGCCAACATGGCAGTGGCCCACAAGATCCACCGCGCCTTCCCCGAG[C>T]AGGCCCTGCTGCGCCGGCACCCCCCGCCCCAAACAAGGATGCTCAGTGACCTGGTGGAAT-3'

ClinVar aggregate classification (germline): Pathogenic. Review status: criteria provided, multiple submitters, no conflicts (2 of 4 stars). 3 submissions from 3 submitters: Pathogenic (3). Last evaluated 2024-02-26.

Conditions:
Perlman syndrome (PRLMNS). Identifiers: Orphanet 2849, MedGen C0796113, MONDO:0009965, OMIM 267000.

Submissions (3):

Baylor Genetics
Classification: Pathogenic for Perlman syndrome. Last evaluated: 2024-02-26. Review status: criteria provided, single submitter. Criteria: ACMG Guidelines, 2015. Collection method: clinical testing. Allele origin: unknown.

Genomic Medicine Center of Excellence, King Faisal Specialist Hospital and Research Centre
Classification: Pathogenic for Perlman syndrome. Last evaluated: 2021-01-04. Review status: criteria provided, single submitter. Criteria: ACMG Guidelines, 2015. Collection method: clinical testing. Allele origin: germline. Affected: yes.

Labcorp Genetics (formerly Invitae), Labcorp
Classification: Pathogenic for Perlman syndrome. Last evaluated: 2020-04-29. Review status: criteria provided, single submitter. Criteria: Invitae Variant Classification Sherloc (09022015). Collection method: clinical testing. Allele origin: germline.
Comment: This sequence change creates a premature translational stop signal (p.Gln604*) in the DIS3L2 gene. It is expected to result in an absent or disrupted protein product. This variant is not present in population databases (ExAC no frequency). This variant has not been reported in the literature in individuals with DIS3L2-related conditions. Algorithms developed to predict the effect of sequence changes on RNA splicing suggest that this variant may create or strengthen a splice site, but this prediction has not been confirmed by published transcriptional studies. Loss-of-function variants in DIS3L2 are known to be pathogenic (PMID: 22306653). For these reasons, this variant has been classified as Pathogenic.

Literature cited by the submitters: PubMed 22306653 (cited by Labcorp Genetics (formerly Invitae), Labcorp).